The following is an entry in ClinVar:

NM_014244.5(ADAMTS2):c.79_80insCGCTCCTGCCGC (p.Pro26_Leu27insProLeuLeuPro)

Gene: ADAMTS2 (ADAM metallopeptidase with thrombospondin type 1 motif 2; minus strand). Cytogenetic location: 5q35.3.
Variant type: Insertion.
Coding change: c.79_80insCGCTCCTGCCGC on transcript NM_014244.5 (MANE Select); coding-DNA positions 79 to 80, CGCTCCTGCCGC inserted.
Protein change: p.Pro26_Leu27insProLeuLeuPro.
Molecular consequence: inframe insertion.
Genome position: GRCh38 VCF-style: chr5-179345249-A-AGCGGCAGGAGCG. GRCh37 (hg19) VCF-style: chr5-178772250-A-AGCGGCAGGAGCG.
Other names: c.79_80insCGCTCCTGCCGC, p.Pro26_Leu27insProLeuLeuPro (NM_021599.4).
Identifiers: ClinVar variation 1366799 (VCV001366799.5), dbSNP rs1554100051, ClinGen allele CA917652272.

ClinVar aggregate classification (germline): Uncertain significance (1 of 4 stars; one submission).

Conditions:
Ehlers-Danlos syndrome, dermatosparaxis type. Also called: EDS VIIC; Ehlers-Danlos syndrome, type VII, autosomal recessive; Dermatosparaxis. Identifiers: Orphanet 1901, MedGen C2700425, MONDO:0009161, OMIM 225410.

Submission:

Labcorp Genetics (formerly Invitae), Labcorp
Classification: Uncertain significance for Ehlers-Danlos syndrome, dermatosparaxis type. Last evaluated: 2021-08-13. Review status: criteria provided, single submitter. Criteria: Invitae Variant Classification Sherloc (09022015). Collection method: clinical testing. Allele origin: germline.
Comment: This variant, c.79_80insCGCTCCTGCCGC, results in the insertion of 4 amino acid(s) to the ADAMTS2 protein (p.Pro26_Leu27insProLeuLeuPro), but otherwise preserves the integrity of the reading frame. The frequency data for this variant in the population databases is considered unreliable, as metrics indicate insufficient coverage at this position in the ExAC database. This variant has not been reported in the literature in individuals affected with ADAMTS2-related conditions. Experimental studies and prediction algorithms are not available or were not evaluated, and the functional significance of this variant is currently unknown. In summary, the available evidence is currently insufficient to determine the role of this variant in disease. Therefore, it has been classified as a Variant of Uncertain Significance.